The following is an entry in ClinVar:

NM_006767.4(LZTR1):c.578A>G (p.Tyr193Cys)

Gene: LZTR1 (leucine zipper like post translational regulator 1; plus strand). Cytogenetic location: 22q11.21.
Variant type: single nucleotide variant.
Coding change: c.578A>G on transcript NM_006767.4 (MANE Select); coding-DNA position 578, A replaced by G.
Protein change: p.Tyr193Cys; replaces tyrosine 193 with cysteine.
Molecular consequence: missense variant.
Genome position (GRCh38, 1-based): chr22:20,988,857, A>G. VCF-style: chr22-20988857-A-G. GRCh37 (hg19) VCF-style: chr22-21343146-A-G.
Other names: short protein forms Y193C.
Identifiers: ClinVar variation 917683 (VCV000917683.12), dbSNP rs1870169267, ClinGen allele CA410780220.

ClinVar aggregate classification (germline): Uncertain significance. Review status: criteria provided, multiple submitters, no conflicts (2 of 4 stars). 5 submissions from 5 submitters: Uncertain significance (4). 1 of the submissions does not count toward it. Last evaluated 2025-07-09.

Conditions:
LZTR1-related disorder. Also called: LZTR1-related disorders; LZTR1-related condition.
LZTR1-related schwannomatosis. Also called: Schwannomatosis 2; Schwannomatosis-2, susceptibility to. Identifiers: Orphanet 93921, MedGen C3810283, MONDO:0014299, OMIM 615670.

Submissions (5):

Labcorp Genetics (formerly Invitae), Labcorp
Classification: Uncertain significance. Last evaluated: 2025-07-09. Review status: criteria provided, single submitter. Criteria: Invitae Variant Classification Sherloc (09022015). Collection method: clinical testing. Allele origin: germline.
Comment: This sequence change replaces tyrosine, which is neutral and polar, with cysteine, which is neutral and slightly polar, at codon 193 of the LZTR1 protein (p.Tyr193Cys). This variant is not present in population databases (gnomAD no frequency). This variant has not been reported in the literature in individuals affected with LZTR1-related conditions. ClinVar contains an entry for this variant (Variation ID: 917683). Invitae Evidence Modeling of protein sequence and biophysical properties (such as structural, functional, and spatial information, amino acid conservation, physicochemical variation, residue mobility, and thermodynamic stability) indicates that this missense variant is not expected to disrupt LZTR1 protein function with a negative predictive value of 80%. In summary, the available evidence is currently insufficient to determine the role of this variant in disease. Therefore, it has been classified as a Variant of Uncertain Significance.

Women's Health and Genetics/Laboratory Corporation of America, LabCorp
Classification: Uncertain significance. Last evaluated: 2025-02-25. Review status: criteria provided, single submitter. Criteria: LabCorp Variant Classification Summary - May 2015. Collection method: clinical testing. Allele origin: germline.
Comment: Variant summary: LZTR1 c.578A>G (p.Tyr193Cys) results in a non-conservative amino acid change in the encoded protein sequence. Three of four in-silico tools predict a damaging effect of the variant on protein function. The variant was absent in 251246 control chromosomes. The available data on variant occurrences in the general population are insufficient to allow any conclusion about variant significance. To our knowledge, no occurrence of c.578A>G in individuals affected with Noonan Syndrome and no experimental evidence demonstrating its impact on protein function have been reported. ClinVar contains an entry for this variant (Variation ID: 917683). Based on the evidence outlined above, the variant was classified as uncertain significance.

Blueprint Genetics
Classification: Uncertain significance. Last evaluated: 2021-01-19. Review status: criteria provided, single submitter. Criteria: ACMG Guidelines, 2015. Collection method: clinical testing. Allele origin: germline.

Centre for Mendelian Genomics, University Medical Centre Ljubljana
Classification: Uncertain significance for LZTR1-related schwannomatosis. Last evaluated: 2020-02-21. Review status: criteria provided, single submitter. Criteria: ACMG Guidelines, 2015. Collection method: clinical testing. Allele origin: unknown. Affected: yes.
Comment: This variant was classified as: Uncertain significance. The available evidence favors the pathogenic nature of this variant, however the currently available data is insufficient to conclusively support its pathogenic nature. Thus this variant is classified as Uncertain significance - favor pathogenic. The following ACMG criteria were applied in classifying this variant: PM1_Sup,PM2,PM5_Sup,PP4.

PreventionGenetics, part of Exact Sciences
Classification: Uncertain significance for LZTR1-related condition. Last evaluated: 2024-09-25. Review status: no assertion criteria provided. Collection method: clinical testing. Allele origin: germline. Not counted in ClinVar's aggregate classification.
Comment: The LZTR1 c.578A>G variant is predicted to result in the amino acid substitution p.Tyr193Cys. To our knowledge, this variant has not been reported in the literature or in a large population database, indicating this variant is rare. In ClinVar, this variant has been interpreted as uncertain. At this time, the clinical significance of this variant is uncertain due to the absence of conclusive functional and genetic evidence.